The following is an entry in ClinVar:

ClinVar aggregate classification (germline): Uncertain significance. Review status: criteria provided, multiple submitters, no conflicts (2 of 4 stars). 2 submissions from 2 submitters: Uncertain significance (2). Last evaluated 2021-05-07.

Allele frequency attached by ClinVar (database versions not stated): ExAC 0.00001; gnomAD exomes 0.00001; gnomAD 0.00002 and 0.00003; TOPMed 0.00002.
gnomAD v4.1: 22 of 1,614,138 alleles (0.0014%); highest among the groups gnomAD compares: Non-Finnish European, 0.0018%; no homozygotes.

Submissions (2):

Labcorp Genetics (formerly Invitae), Labcorp
Classification: Uncertain significance. Last evaluated: 2021-05-07. Review status: criteria provided, single submitter. Criteria: Invitae Variant Classification Sherloc (09022015). Collection method: clinical testing. Allele origin: germline.
Comment: In summary, the available evidence is currently insufficient to determine the role of this variant in disease. Therefore, it has been classified as a Variant of Uncertain Significance. Algorithms developed to predict the effect of missense changes on protein structure and function (SIFT, PolyPhen-2, Align-GVGD) all suggest that this variant is likely to be tolerated, but these predictions have not been confirmed by published functional studies and their clinical significance is uncertain. This variant has not been reported in the literature in individuals with GPR179-related conditions. This variant is present in population databases (rs745518433, ExAC 0.001%). This sequence change replaces glutamic acid with aspartic acid at codon 2108 of the GPR179 protein (p.Glu2108Asp). The glutamic acid residue is weakly conserved and there is a small physicochemical difference between glutamic acid and aspartic acid.

Blueprint Genetics
Classification: Uncertain significance. Last evaluated: 2017-08-30. Review status: criteria provided, single submitter. Criteria: ACMG Guidelines, 2015. Collection method: clinical testing. Allele origin: germline.

NM_001004334.4(GPR179):c.6324G>C (p.Glu2108Asp)

Gene: GPR179 (G protein-coupled receptor 179; minus strand). Cytogenetic location: 17q12.
Variant type: single nucleotide variant.
Coding change: c.6324G>C on transcript NM_001004334.4 (MANE Select); coding-DNA position 6324, G replaced by C.
Protein change: p.Glu2108Asp; replaces glutamic acid 2108 with aspartic acid.
Molecular consequence: missense variant.
Genome position (GRCh38, 1-based): chr17:38,327,245, C>G on the plus strand (G>C on the coding strand, the complement: GPR179 is on the minus strand). VCF-style: chr17-38327245-C-G. GRCh37 (hg19) VCF-style: chr17-36483128-C-G.
Other names: short protein forms E2108D.
Identifiers: ClinVar variation 1360603 (VCV001360603.7), dbSNP rs745518433, ClinGen allele CA290103032.